The following is an entry in ClinVar:

NM_001029883.3(PCARE):c.3714C>A (p.Ser1238Arg)

Gene: PCARE (photoreceptor cilium actin regulator; minus strand). Cytogenetic location: 2p23.2.
Variant type: single nucleotide variant.
Coding change: c.3714C>A on transcript NM_001029883.3 (MANE Select); coding-DNA position 3714, C replaced by A.
Protein change: p.Ser1238Arg; replaces serine 1238 with arginine.
Molecular consequence: missense variant.
Genome position (GRCh38, 1-based): chr2:29,065,022, G>T on the plus strand (C>A on the coding strand, the complement: PCARE is on the minus strand). VCF-style: chr2-29065022-G-T. GRCh37 (hg19) VCF-style: chr2-29287888-G-T.
Other names: c.3714C>A (NM_001029883.2); short protein forms S1238R.
Identifiers: ClinVar variation 1485042 (VCV001485042.8), dbSNP rs368652431, ClinGen allele CA44633151.

ClinVar aggregate classification (germline): Uncertain significance. Review status: criteria provided, multiple submitters, no conflicts (2 of 4 stars). 3 submissions from 3 submitters: Uncertain significance (3). Last evaluated 2025-09-30.

Conditions:
PCARE-related disorder. Also called: PCARE-related condition.

Allele frequency attached by ClinVar (database versions not stated): gnomAD exomes 0.00001; ESP Exome Variant Server 0.00008; 1000 Genomes Project 0.00020; 1000 Genomes Project 30x 0.00031.
gnomAD v4.1: 18 of 1,556,882 alleles (0.0012%); highest among the groups gnomAD compares: African/African-American, 0.016%; no homozygotes.

Submissions (3):

PreventionGenetics, part of Exact Sciences
Classification: Uncertain significance for PCARE-related condition. Last evaluated: 2025-09-30. Review status: criteria provided, single submitter. Criteria: ACMG Guidelines, 2015. Collection method: clinical testing. Allele origin: germline.
Comment: The PCARE c.3714C>A variant is predicted to result in the amino acid substitution p.Ser1238Arg. To our knowledge, this variant has not been reported in the literature. This variant is present in 0.012% of alleles in individuals of African descent in gnomAD. At this time, the clinical significance of this variant is uncertain due to the absence of conclusive functional and genetic evidence.

Blueprint Genetics
Classification: Uncertain significance. Last evaluated: 2022-03-18. Review status: criteria provided, single submitter. Criteria: ACMG Guidelines, 2015. Collection method: clinical testing. Allele origin: germline.

Labcorp Genetics (formerly Invitae), Labcorp
Classification: Uncertain significance. Last evaluated: 2021-05-31. Review status: criteria provided, single submitter. Criteria: Invitae Variant Classification Sherloc (09022015). Collection method: clinical testing. Allele origin: germline.
Comment: In summary, the available evidence is currently insufficient to determine the role of this variant in disease. Therefore, it has been classified as a Variant of Uncertain Significance. Algorithms developed to predict the effect of missense changes on protein structure and function are either unavailable or do not agree on the potential impact of this missense change (SIFT: "Deleterious"; PolyPhen-2: "Possibly Damaging"; Align-GVGD: "Class C0"). This variant has not been reported in the literature in individuals with PCARE-related conditions. This variant is not present in population databases (ExAC no frequency). This sequence change replaces serine with arginine at codon 1238 of the PCARE protein (p.Ser1238Arg). The serine residue is moderately conserved and there is a moderate physicochemical difference between serine and arginine.